The following is an entry in ClinVar:

ClinVar aggregate classification (germline): Uncertain significance. Review status: criteria provided, multiple submitters, no conflicts (2 of 4 stars). 2 submissions from 2 submitters: Uncertain significance (2). Last evaluated 2024-01-11.

Conditions:
Hereditary cancer-predisposing syndrome. Also called: Hereditary Cancer Syndrome; Hereditary neoplastic syndrome; Neoplastic Syndromes, Hereditary; Tumor predisposition. Identifiers: Orphanet 140162, MedGen C0027672, MeSH D009386, MONDO:0015356.
Lynch syndrome. Identifiers: Orphanet 144, MedGen C4552100, MONDO:0005835. Disease mechanism: loss of function.

Submissions (2):

All of Us Research Program, National Institutes of Health
Classification: Uncertain significance for Lynch syndrome. Last evaluated: 2024-01-11. Review status: criteria provided, single submitter. Criteria: ACMG Guidelines, 2015. Collection method: clinical testing. Allele origin: germline. Inheritance: Autosomal dominant inheritance. Observed: 1 variant allele, 1 heterozygote.
Comment: This study involves interpretation of variants in research participants for the purpose of population health screening. Participant phenotype was not available at the time of variant classification. Additional details can be found in publication PMID: 35346344, PMCID: PMC8962531

Ambry Genetics
Classification: Uncertain significance for Hereditary cancer-predisposing syndrome. Last evaluated: 2022-10-12. Review status: criteria provided, single submitter. Criteria: Ambry Variant Classification Scheme 2023. Collection method: clinical testing. Allele origin: germline.
Comment: The p.R151S variant (also known as c.451C>A), located in coding exon 5 of the PMS2 gene, results from a C to A substitution at nucleotide position 451. The arginine at codon 151 is replaced by serine, an amino acid with dissimilar properties. This amino acid position is conserved. In addition, this alteration is predicted to be deleterious by in silico analysis. Since supporting evidence is limited at this time, the clinical significance of this alteration remains unclear.

NM_000535.7(PMS2):c.451C>A (p.Arg151Ser)

Gene: PMS2 (PMS1 homolog 2, mismatch repair system component; minus strand). Cytogenetic location: 7p22.1.
Variant type: single nucleotide variant.
Coding change: c.451C>A on transcript NM_000535.7 (MANE Select); coding-DNA position 451, C replaced by A.
Protein change: p.Arg151Ser; replaces arginine 151 with serine.
Molecular consequence: missense variant. On other transcripts: 5 prime UTR variant (2), non-coding transcript variant (1).
Genome position (GRCh38, 1-based): chr7:6,002,539, G>T on the plus strand (C>A on the coding strand, the complement: PMS2 is on the minus strand). VCF-style: chr7-6002539-G-T. GRCh37 (hg19) VCF-style: chr7-6042170-G-T.
Other names: c.46C>A, p.Arg16Ser (NM_001018040.1, NM_001322003.2, NM_001322004.2 and 25 more transcripts); c.451C>A, p.Arg151Ser (NM_001322006.2, NM_001322014.2, NM_001406869.1 and 8 more transcripts); c.133C>A, p.Arg45Ser (NM_001322007.2, NM_001322008.2, NM_001406876.1 and 4 more transcripts); c.-434C>A (NM_001322011.2, NM_001322012.2); c.142C>A, p.Arg48Ser (NM_001322015.2, NM_001406875.1, NM_001406877.1 and 6 more transcripts); c.637C>A, p.Arg213Ser (NM_001406866.1); c.475C>A, p.Arg159Ser (NM_001406868.1); short protein forms R45S, R151S, R159S, R16S, R213S, R48S.
Identifiers: ClinVar variation 1741187 (VCV001741187.3), dbSNP rs758561884, ClinGen allele CA366744324.